The following is an entry in ClinVar:

NM_001378454.1(ALMS1):c.6014A>G (p.Asp2005Gly)

Gene: ALMS1 (ALMS1 centrosome and basal body associated protein; plus strand). Cytogenetic location: 2p13.1.
Variant type: single nucleotide variant.
Coding change: c.6014A>G on transcript NM_001378454.1 (MANE Select); coding-DNA position 6014, A replaced by G.
Protein change: p.Asp2005Gly; replaces aspartic acid 2005 with glycine.
Molecular consequence: missense variant.
Genome position (GRCh38, 1-based): chr2:73,452,541, A>G. VCF-style: chr2-73452541-A-G. GRCh37 (hg19) VCF-style: chr2-73679668-A-G.
Other names: c.6017A>G, p.Asp2006Gly (NM_015120.4); short protein forms D2006G, D2005G.
Identifiers: ClinVar variation 337018 (VCV000337018.6), dbSNP rs886056306, ClinGen allele CA10614373.

ClinVar aggregate classification (germline): Uncertain significance (0 of 4 stars; one submission).

Conditions:
ALMS1-related disorder. Also called: ALMS1-related condition.

Allele frequency attached by ClinVar (database versions not stated): gnomAD exomes below 0.00001.
gnomAD v4.1: 1 of 1,614,088 alleles (0.000062%); highest among the groups gnomAD compares: Non-Finnish European, 0.000085%; no homozygotes.

Submission:

PreventionGenetics, part of Exact Sciences
Classification: Uncertain significance for ALMS1-related condition. Last evaluated: 2024-09-03. Review status: no assertion criteria provided. Collection method: clinical testing. Allele origin: germline.
Comment: The ALMS1 c.6017A>G variant is predicted to result in the amino acid substitution p.Gln2006Arg. To our knowledge, this variant has not been reported in the literature. This variant is reported in 0.0031% of alleles in individuals of European (Non-Finnish) descent in gnomAD. At this time, the clinical significance of this variant is uncertain due to the absence of conclusive functional and genetic evidence.